The following is an entry in ClinVar:

ClinVar aggregate classification (germline): Uncertain significance (1 of 4 stars; one submission).

gnomAD v4.1: 5 of 1,550,152 alleles (0.00032%); highest among the groups gnomAD compares: Non-Finnish European, 0.00044%; no homozygotes.

Submission:

Women's Health and Genetics/Laboratory Corporation of America, LabCorp
Classification: Uncertain significance. Last evaluated: 2025-04-02. Review status: criteria provided, single submitter. Criteria: LabCorp Variant Classification Summary - May 2015. Collection method: clinical testing. Allele origin: germline.
Comment: Variant summary: ZNF469 c.10979G>A (p.Gly3660Glu) results in a non-conservative amino acid change in the encoded protein sequence. Two of four in-silico tools predict a benign effect of the variant on protein function. The variant allele was found at a frequency of 6.8e-06 in 146138 control chromosomes. The available data on variant occurrences in the general population are insufficient to allow any conclusion about variant significance. To our knowledge, no occurrence of c.10979G>A in individuals affected with Brittle cornea syndrome 1 and no experimental evidence demonstrating its impact on protein function have been reported. No submitters have cited clinical-significance assessments for this variant to ClinVar. Based on the evidence outlined above, the variant was classified as uncertain significance.

NM_001367624.2(ZNF469):c.10979G>A (p.Gly3660Glu)

Gene: ZNF469 (zinc finger protein 469; plus strand). Cytogenetic location: 16q24.2.
Variant type: single nucleotide variant.
Coding change: c.10979G>A on transcript NM_001367624.2 (MANE Select); coding-DNA position 10979, G replaced by A.
Protein change: p.Gly3660Glu; replaces glycine 3660 with glutamic acid.
Molecular consequence: missense variant.
Genome position (GRCh38, 1-based): chr16:88,438,449, G>A. VCF-style: chr16-88438449-G-A. GRCh37 (hg19) VCF-style: chr16-88504857-G-A.
Other names: short protein forms G3660E.
Identifiers: ClinVar variation 3896557 (VCV003896557.2).